The following is an entry in ClinVar:

NM_006231.4(POLE):c.4006-15C>T

Gene: POLE (DNA polymerase epsilon, catalytic subunit; minus strand). Cytogenetic location: 12q24.33.
Variant type: single nucleotide variant.
Coding change: c.4006-15C>T on transcript NM_006231.4 (MANE Select); 15 bases into the intron before coding-DNA position 4006, C replaced by T.
Molecular consequence: intron variant.
Genome position (GRCh38, 1-based): chr12:132,649,087, G>A on the plus strand (C>T on the coding strand, the complement: POLE is on the minus strand). VCF-style: chr12-132649087-G-A. GRCh37 (hg19) VCF-style: chr12-133225673-G-A.
Identifiers: ClinVar variation 382709 (VCV000382709.9), dbSNP rs751257970, ClinGen allele CA6893020.

ClinVar aggregate classification (germline): Likely benign. Review status: criteria provided, multiple submitters, no conflicts (2 of 4 stars). 3 submissions from 3 submitters: Likely benign (3). Last evaluated 2025-08-06.

Allele frequency attached by ClinVar (database versions not stated): gnomAD exomes 0.00002; TOPMed 0.00002; ExAC 0.00003.
gnomAD v4.1: 21 of 1,608,708 alleles (0.0013%); highest among the groups gnomAD compares: South Asian, 0.0066%; no homozygotes.

Submissions (3):

Labcorp Genetics (formerly Invitae), Labcorp
Classification: Likely benign. Last evaluated: 2025-08-06. Review status: criteria provided, single submitter. Criteria: Invitae Variant Classification Sherloc (09022015). Collection method: clinical testing. Allele origin: germline.

Blueprint Genetics
Classification: Likely benign. Last evaluated: 2023-03-20. Review status: criteria provided, single submitter. Criteria: ACMG Guidelines, 2015. Collection method: clinical testing. Allele origin: germline.

GeneDx
Classification: Likely benign. Last evaluated: 2016-08-22. Review status: criteria provided, single submitter. Criteria: GeneDx Variant Classification (06012015). Collection method: clinical testing. Allele origin: germline. Affected: yes.
Comment: This variant is considered likely benign or benign based on one or more of the following criteria: it is a conservative change, it occurs at a poorly conserved position in the protein, it is predicted to be benign by multiple in silico algorithms, and/or has population frequency not consistent with disease.